The following is an entry in ClinVar:

ClinVar aggregate classification (germline): Uncertain significance (1 of 4 stars; one submission).

Conditions:
Cardiovascular phenotype. Identifiers: MedGen CN230736.

Allele frequency attached by ClinVar (database versions not stated): ExAC 0.00003; 1000 Genomes Project 30x 0.00062; 1000 Genomes Project 0.00080.
gnomAD v4.1: 11 of 1,612,656 alleles (0.00068%); highest among the groups gnomAD compares: African/African-American, 0.011%; no homozygotes.

Submission:

Ambry Genetics
Classification: Uncertain significance for Cardiovascular phenotype. Last evaluated: 2022-03-21. Review status: criteria provided, single submitter. Criteria: Ambry Variant Classification Scheme 2023. Collection method: clinical testing. Allele origin: germline.
Comment: The p.P2737L variant (also known as c.8210C>T), located in coding exon 23 of the TNXB gene, results from a C to T substitution at nucleotide position 8210. The proline at codon 2737 is replaced by leucine, an amino acid with similar properties. This amino acid position is conserved. In addition, this alteration is predicted to be tolerated by in silico analysis. Since supporting evidence is limited at this time, the clinical significance of this alteration remains unclear.

NM_001365276.2(TNXB):c.8210C>T (p.Pro2737Leu)

Gene: TNXB (tenascin XB; minus strand). Cytogenetic location: 6p21.33.
Variant type: single nucleotide variant.
Coding change: c.8210C>T on transcript NM_001365276.2 (MANE Select); coding-DNA position 8210, C replaced by T.
Protein change: p.Pro2737Leu; replaces proline 2737 with leucine.
Molecular consequence: missense variant.
Genome position (GRCh38, 1-based): chr6:32,056,108, G>A on the plus strand (C>T on the coding strand, the complement: TNXB is on the minus strand). VCF-style: chr6-32056108-G-A. GRCh37 (hg19) VCF-style: chr6-32023885-G-A.
Other names: c.8210C>T, p.Pro2737Leu (NM_019105.8); short protein forms P2737L.
Identifiers: ClinVar variation 1762479 (VCV001762479.2), dbSNP rs562786887, ClinGen allele CA3733918.